The following is an entry in ClinVar:

ClinVar aggregate classification (germline): Uncertain significance (1 of 4 stars; one submission).

gnomAD v4.1: 1 of 1,613,880 alleles (0.000062%); highest among the groups gnomAD compares: South Asian, 0.0011%; no homozygotes.

Submission:

Women's Health and Genetics/Laboratory Corporation of America, LabCorp
Classification: Uncertain significance. Last evaluated: 2024-06-13. Review status: criteria provided, single submitter. Criteria: LabCorp Variant Classification Summary - May 2015. Collection method: clinical testing. Allele origin: germline.
Comment: Variant summary: KIF5C c.1780A>G (p.Met594Val) results in a conservative amino acid change in the encoded protein sequence. Four of five in-silico tools predict a benign effect of the variant on protein function. The variant was absent in 248742 control chromosomes. The available data on variant occurrences in the general population are insufficient to allow any conclusion about variant significance. To our knowledge, no occurrence of c.1780A>G in individuals affected with Complex Cortical Dysplasia With Other Brain Malformations 2 and no experimental evidence demonstrating its impact on protein function have been reported. No submitters have cited clinical-significance assessments for this variant to ClinVar. Based on the evidence outlined above, the variant was classified as uncertain significance.

NM_004522.3(KIF5C):c.1780A>G (p.Met594Val)

Gene: KIF5C (kinesin family member 5C; plus strand). Cytogenetic location: 2q23.1.
Variant type: single nucleotide variant.
Coding change: c.1780A>G on transcript NM_004522.3 (MANE Select); coding-DNA position 1780, A replaced by G.
Protein change: p.Met594Val; replaces methionine 594 with valine.
Molecular consequence: missense variant. On other transcripts: non-coding transcript variant (1).
Genome position (GRCh38, 1-based): chr2:148,991,073, A>G. VCF-style: chr2-148991073-A-G. GRCh37 (hg19) VCF-style: chr2-149847587-A-G.
Other names: short protein forms M594V.
Identifiers: ClinVar variation 3339555 (VCV003339555.1).